The following is an entry in ClinVar:

ClinVar aggregate classification (germline): Benign (1 of 4 stars; one submission).

Conditions:
Familial cancer of breast. Also called: BREAST CANCER, FAMILIAL; Hereditary breast cancer; hereditary breast carcinoma. Identifiers: Orphanet 227535, MedGen C0346153, MONDO:0016419, OMIM 114480. Disease mechanism: loss of function.

gnomAD v4.1: 1 of 1,613,936 alleles (0.000062%); highest among the groups gnomAD compares: Non-Finnish European, 0.000085%; no homozygotes.

Submission:

Myriad Genetics, Inc.
Classification: Benign for Familial cancer of breast. Last evaluated: 2024-10-01. Review status: criteria provided, single submitter. Criteria: Myriad Autosomal Dominant, Autosomal Recessive and X-Linked Classification Criteria (2023). Collection method: clinical testing. Allele origin: unknown.
Comment: This variant is considered benign. This variant occurs in the non-coding 3' untranslated region of the gene, and is not expected to impact protein function.

NM_000051.4(ATM):c.*6A>G

Genes: ATM (ATM serine/threonine kinase; plus strand), C11orf65 (chromosome 11 open reading frame 65; minus strand). Cytogenetic location: 11q22.3.
Variant type: single nucleotide variant.
Coding change: c.*6A>G on transcript NM_000051.4 (MANE Select); 6 bases downstream of the stop codon, A replaced by G.
Molecular consequence: 3 prime UTR variant. On other transcripts: intron variant (2).
Genome position (GRCh38, 1-based): chr11:108,365,514, A>G. VCF-style: chr11-108365514-A-G. GRCh37 (hg19) VCF-style: chr11-108236241-A-G.
Other names: c.*6A>G (NM_001351834.2); c.640+20406T>C (NM_001330368.2); c.694+20406T>C (NM_001351110.2).
Identifiers: ClinVar variation 3772741 (VCV003772741.1).